The following is an entry in ClinVar:

ClinVar aggregate classification (germline): Pathogenic. Review status: reviewed by expert panel (3 of 4 stars). 3 submissions from 3 submitters: Pathogenic (1). 2 of the submissions do not count toward it. Last evaluated 2016-10-18.

Conditions:
Hereditary breast ovarian cancer syndrome. Also called: Hereditary breast and ovarian cancer syndrome (HBOC); Hereditary breast and ovarian cancer syndrome; Hereditary breast and ovarian cancer; Hereditary breast and/or ovarian cancer syndrome; Breast and ovarian cancer; BRCA1- and BRCA2-Associated Hereditary Breast and Ovarian Cancer. Identifiers: Orphanet 145, MedGen C0677776, MeSH D061325, MONDO:0003582. Disease mechanism: loss of function.
Breast-ovarian cancer, familial, susceptibility to, 1 (BROVCA1). Also called: OVARIAN CANCER, SUSCEPTIBILITY TO; BRCA1 Hereditary Breast and Ovarian Cancer. Identifiers: Orphanet 145, MedGen C2676676, MONDO:0011450, OMIM 604370. Disease mechanism: loss of function.

Submissions (3):

Evidence-based Network for the Interpretation of Germline Mutant Alleles (ENIGMA)
Classification: Pathogenic for Breast-ovarian cancer, familial, susceptibility to, 1. Last evaluated: 2016-10-18. Review status: reviewed by expert panel. Criteria: ENIGMA BRCA1/2 Classification Criteria (2015). Collection method: curation. Allele origin: germline.
Comment: Variant allele predicted to encode a truncated non-functional protein.

Labcorp Genetics (formerly Invitae), Labcorp
Classification: Pathogenic for Hereditary breast ovarian cancer syndrome. Last evaluated: 2023-08-03. Review status: criteria provided, single submitter. Criteria: Invitae Variant Classification Sherloc (09022015). Collection method: clinical testing. Allele origin: germline. Not counted in ClinVar's aggregate classification.
Comment: This premature translational stop signal has been observed in individual(s) with a personal and/or family history of breast and/or ovarian cancer (PMID: 22798144, 25863477, 28111427, 29446198). This variant is not present in population databases (gnomAD no frequency). This sequence change creates a premature translational stop signal (p.Leu785*) in the BRCA1 gene. It is expected to result in an absent or disrupted protein product. Loss-of-function variants in BRCA1 are known to be pathogenic (PMID: 20104584). ClinVar contains an entry for this variant (Variation ID: 54545). For these reasons, this variant has been classified as Pathogenic.

Consortium of Investigators of Modifiers of BRCA1/2 (CIMBA), c/o University of Cambridge
Classification: Pathogenic for Breast-ovarian cancer, familial, susceptibility to, 1. Last evaluated: 2015-10-02. Review status: criteria provided, single submitter. Criteria: CIMBA Mutation Classification guidelines May 2016. Collection method: clinical testing. Allele origin: germline. Not counted in ClinVar's aggregate classification.

Literature cited by the submitters: PubMed 22798144 (cited by Labcorp Genetics (formerly Invitae), Labcorp); PubMed 25863477 (cited by Labcorp Genetics (formerly Invitae), Labcorp); PubMed 28111427 (cited by Labcorp Genetics (formerly Invitae), Labcorp); PubMed 29446198 (cited by Labcorp Genetics (formerly Invitae), Labcorp); PubMed 20104584 (cited by Labcorp Genetics (formerly Invitae), Labcorp).

NM_007294.4(BRCA1):c.2354T>A (p.Leu785Ter)

Gene: BRCA1 (BRCA1 DNA repair associated; minus strand). Cytogenetic location: 17q21.31.
Variant type: single nucleotide variant.
Coding change: c.2354T>A on transcript NM_007294.4 (MANE Select); coding-DNA position 2354, T replaced by A.
Protein change: p.Leu785Ter; replaces leucine 785 with a stop codon.
Molecular consequence: nonsense. On other transcripts: intron variant (137).
Genome position (GRCh38, 1-based): chr17:43,093,177, A>T on the plus strand (T>A on the coding strand, the complement: BRCA1 is on the minus strand). VCF-style: chr17-43093177-A-T. GRCh37 (hg19) VCF-style: chr17-41245194-A-T.
Other names: 2473T>A; c.2141T>A, p.Leu714Ter (NM_001407571.1, NM_001407853.1, NM_001407894.1 and 9 more transcripts); c.2354T>A, p.Leu785Ter (NM_001407581.1, NM_001407582.1, NM_001407583.1 and 30 more transcripts); c.2351T>A, p.Leu784Ter (NM_001407587.1, NM_001407590.1, NM_001407591.1 and 22 more transcripts); c.2345T>A, p.Leu782Ter (NM_001407646.1, NM_001407647.1); c.2231T>A, p.Leu744Ter (NM_001407648.1, NM_001407664.1, NM_001407665.1 and 19 more transcripts); c.2228T>A, p.Leu743Ter (NM_001407649.1, NM_001407670.1, NM_001407671.1 and 11 more transcripts); c.2276T>A, p.Leu759Ter (NM_001407653.1, NM_001407654.1, NM_001407655.1 and 4 more transcripts); and 42 more; short protein forms L785*, L738*, L658*, L673*, L674*, L717*, L718*, L737*.
Identifiers: ClinVar variation 54545 (VCV000054545.13), dbSNP rs397508961, ClinGen allele CA001571.